The following is an entry in ClinVar:

NM_000384.3(APOB):c.9371A>G (p.Asp3124Gly)

Gene: APOB (apolipoprotein B; minus strand). Cytogenetic location: 2p24.1.
Variant type: single nucleotide variant.
Coding change: c.9371A>G on transcript NM_000384.3 (MANE Select); coding-DNA position 9371, A replaced by G.
Protein change: p.Asp3124Gly; replaces aspartic acid 3124 with glycine.
Molecular consequence: missense variant.
Genome position (GRCh38, 1-based): chr2:21,007,497, T>C on the plus strand (A>G on the coding strand, the complement: APOB is on the minus strand). VCF-style: chr2-21007497-T-C. GRCh37 (hg19) VCF-style: chr2-21230369-T-C.
Other names: short protein forms D3124G.
Identifiers: ClinVar variation 1766723 (VCV001766723.3), dbSNP rs2465363252, ClinGen allele CA345990425.

ClinVar aggregate classification (germline): Uncertain significance. Review status: criteria provided, multiple submitters, no conflicts (2 of 4 stars). 2 submissions from 2 submitters: Uncertain significance (2). Last evaluated 2024-09-07.

Conditions:
Cardiovascular phenotype. Identifiers: MedGen CN230736.

Submissions (2):

GeneDx
Classification: Uncertain significance. Last evaluated: 2024-09-07. Review status: criteria provided, single submitter. Criteria: GeneDx Variant Classification Process June 2021. Collection method: clinical testing. Allele origin: germline. Affected: yes.
Comment: Not observed at significant frequency in large population cohorts (gnomAD); In silico analysis supports that this missense variant has a deleterious effect on protein structure/function; Has not been previously published as pathogenic or benign to our knowledge

Ambry Genetics
Classification: Uncertain significance for Cardiovascular phenotype. Last evaluated: 2022-03-23. Review status: criteria provided, single submitter. Criteria: Ambry Variant Classification Scheme 2023. Collection method: clinical testing. Allele origin: germline.
Comment: The p.D3124G variant (also known as c.9371A>G), located in coding exon 26 of the APOB gene, results from an A to G substitution at nucleotide position 9371. The aspartic acid at codon 3124 is replaced by glycine, an amino acid with similar properties. This amino acid position is conserved. In addition, this alteration is predicted to be tolerated by in silico analysis. Since supporting evidence is limited at this time, the clinical significance of this alteration remains unclear.